The following is an entry in ClinVar:

NM_001384140.1(PCDH15):c.1028G>A (p.Arg343Lys)

Gene: PCDH15 (protocadherin related 15; minus strand). Cytogenetic location: 10q21.1.
Variant type: single nucleotide variant.
Coding change: c.1028G>A on transcript NM_001384140.1 (MANE Select); coding-DNA position 1028, G replaced by A.
Protein change: p.Arg343Lys; replaces arginine 343 with lysine.
Molecular consequence: missense variant.
Genome position (GRCh38, 1-based): chr10:54,214,006, C>T on the plus strand (G>A on the coding strand, the complement: PCDH15 is on the minus strand). VCF-style: chr10-54214006-C-T. GRCh37 (hg19) VCF-style: chr10-55973766-C-T.
Other names: c.1043G>A, p.Arg348Lys (NM_001142763.2, NM_001142769.4, NM_001142771.2); c.1028G>A, p.Arg343Lys (NM_001142764.2, NM_001142765.2, NM_001142766.2 and 7 more transcripts); c.917G>A, p.Arg306Lys (NM_001142767.2); c.962G>A, p.Arg321Lys (NM_001142768.2, NM_001142773.2, NM_001354404.2); short protein forms R343K, R306K, R348K, R321K.
Identifiers: ClinVar variation 46433 (VCV000046433.17), dbSNP rs141169746, ClinGen allele CA138354.

ClinVar aggregate classification (germline): Conflicting classifications of pathogenicity. Review status: criteria provided, conflicting classifications (1 of 4 stars). 7 submissions from 7 submitters: Uncertain significance (3); Likely benign (3). 1 of the submissions does not count toward it. Last evaluated 2026-05-03.

Conditions:
PCDH15-related disorder. Also called: PCDH15-related disorders; PCDH15-related condition.
Usher syndrome type 1F (USH1F). Also called: USHER SYNDROME, TYPE IF. Identifiers: Orphanet 231169, Orphanet 886, MedGen C1865885, MONDO:0011186, OMIM 602083.

Allele frequency attached by ClinVar (database versions not stated): ExAC 0.00010; gnomAD exomes 0.00017 and 0.00060; gnomAD 0.00028 and 0.00054; ESP Exome Variant Server 0.00038; TOPMed 0.00065.
gnomAD v4.1: 938 of 1,611,580 alleles (0.058%); highest among the groups gnomAD compares: Non-Finnish European, 0.075%; no homozygotes.

Submissions (7):

GeneDx
Classification: Uncertain significance. Last evaluated: 2026-05-03. Review status: criteria provided, single submitter. Criteria: GeneDx Variant Classification Process June 2021. Collection method: clinical testing. Allele origin: germline.
Comment: Reported as heterozygous in an individual with Usher syndrome who harbored variants in other genes associated with hearing loss (PMID: 25468891); In silico analysis suggests that this missense variant does not alter protein structure/function; This variant is associated with the following publications: (PMID: 25468891)

Labcorp Genetics (formerly Invitae), Labcorp
Classification: Likely benign. Last evaluated: 2026-01-21. Review status: criteria provided, single submitter. Criteria: Invitae Variant Classification Sherloc (09022015). Collection method: clinical testing. Allele origin: germline.

Myriad Genetics, Inc.
Classification: Uncertain significance for Usher syndrome type 1F. Last evaluated: 2025-07-29. Review status: criteria provided, single submitter. Criteria: Myriad Autosomal Dominant, Autosomal Recessive and X-Linked Classification Criteria (2023). Collection method: clinical testing. Allele origin: unknown.
Comment: NM_033056.3(PCDH15):c.1028G>A(R343K) is a missense variant classified as a variant of uncertain significance in the context of PCDH15-related disorders. R343K has been observed in a case with relevant disease (PMID: 25468891). Relevant functional assessments of this variant are not available in the literature. R343K has been observed in referenced population frequency databases. In summary, there is insufficient evidence to classify NM_033056.3(PCDH15):c.1028G>A(R343K) as pathogenic or benign. Please note: this variant was assessed in the context of healthy population screening.

Blueprint Genetics
Classification: Likely benign. Last evaluated: 2024-11-07. Review status: criteria provided, single submitter. Criteria: ACMG Guidelines, 2015. Collection method: clinical testing. Allele origin: germline.

Revvity Omics, Revvity
Classification: Uncertain significance. Last evaluated: 2024-09-27. Review status: criteria provided, single submitter. Criteria: ACMG Guidelines, 2015. Collection method: clinical testing. Allele origin: germline.

Laboratory for Molecular Medicine, Mass General Brigham Personalized Medicine
Classification: Likely benign. Last evaluated: 2017-08-15. Review status: criteria provided, single submitter. Criteria: LMM Criteria. Collection method: clinical testing. Allele origin: germline. Observed: 6 variant alleles.
Comment: p.Arg343Lys in exon 10 of PCDH155: This variant is not expected to have clinical significance because the Arg residue at position 343 is not well conserved acro ss distant species, computational analysis do not suggest a high likelihood of i mpact to the protein, and it has been identified in 50/126580 European chromosom es by the Genome Aggregation Database (gnomAD; dbSNP rs141169746).

PreventionGenetics, part of Exact Sciences
Classification: Uncertain significance for PCDH15-related condition. Last evaluated: 2024-09-11. Review status: no assertion criteria provided. Collection method: clinical testing. Allele origin: germline. Not counted in ClinVar's aggregate classification.
Comment: The PCDH15 c.1028G>A variant is predicted to result in the amino acid substitution p.Arg343Lys. To our knowledge, this variant has not been reported in the literature. This variant is reported in 0.041% of alleles in individuals of European (Non-Finnish) descent in gnomAD. At this time, the clinical significance of this variant is uncertain due to the absence of conclusive functional and genetic evidence.

Literature cited by the submitters: PubMed 25468891 (cited by Myriad Genetics, Inc.).